The following is an entry in ClinVar:

ClinVar aggregate classification (germline): Likely benign (0 of 4 stars; one submission).

Conditions:
ARFGEF2-related disorder. Also called: ARFGEF2-related condition.

gnomAD v4.1: 17 of 1,597,582 alleles (0.0011%); highest among the groups gnomAD compares: African/African-American, 0.02%; no homozygotes.

Submission:

PreventionGenetics, part of Exact Sciences
Classification: Likely benign for ARFGEF2-related condition. Last evaluated: 2019-03-22. Review status: no assertion criteria provided. Collection method: clinical testing. Allele origin: germline.
Comment: This variant is classified as likely benign based on ACMG/AMP sequence variant interpretation guidelines (Richards et al. 2015 PMID: 25741868, with internal and published modifications).

NM_006420.3(ARFGEF2):c.1525+10C>T

Gene: ARFGEF2 (ARF guanine nucleotide exchange factor 2; plus strand). Cytogenetic location: 20q13.13.
Variant type: single nucleotide variant.
Coding change: c.1525+10C>T on transcript NM_006420.3 (MANE Select); 10 bases into the intron after coding-DNA position 1525, C replaced by T.
Molecular consequence: intron variant.
Genome position (GRCh38, 1-based): chr20:48,972,435, C>T. VCF-style: chr20-48972435-C-T. GRCh37 (hg19) VCF-style: chr20-47588972-C-T.
Other names: c.1522+10C>T (NM_001410846.1).
Identifiers: ClinVar variation 3353215 (VCV003353215.1).
Genomic context (GRCh38, chr20:48,972,435, plus strand): 5'-CTTTTGAGCACAGGTGGATGGTCATTCAGACTCTGACGAGGATCTGTGCAGGTATTTCCA[C>T]CTGGGGACACTCATCCACTGGACTTCTGATGCTTTAATTTGCCACAGCTCAGATTAAGAC-3'